The following is an entry in ClinVar:

ClinVar aggregate classification (germline): Uncertain significance (1 of 4 stars; one submission).

Allele frequency attached by ClinVar (database versions not stated): 1000 Genomes Project 0.00040; 1000 Genomes Project 30x 0.00047.
gnomAD v4.1: 11 of 1,265,280 alleles (0.00087%); highest among the groups gnomAD compares: African/African-American, 0.011%; no homozygotes.

Submission:

Labcorp Genetics (formerly Invitae), Labcorp
Classification: Uncertain significance. Last evaluated: 2024-03-14. Review status: criteria provided, single submitter. Criteria: Invitae Variant Classification Sherloc (09022015). Collection method: clinical testing. Allele origin: germline.
Comment: This sequence change replaces leucine, which is neutral and non-polar, with valine, which is neutral and non-polar, at codon 16 of the SUCLG2 protein (p.Leu16Val). The frequency data for this variant in the population databases is considered unreliable, as metrics indicate poor data quality at this position in the gnomAD database. This variant has not been reported in the literature in individuals affected with SUCLG2-related conditions. An algorithm developed to predict the effect of missense changes on protein structure and function (PolyPhen-2) suggests that this variant is likely to be tolerated. In summary, the available evidence is currently insufficient to determine the role of this variant in disease. Therefore, it has been classified as a Variant of Uncertain Significance.

NM_003848.4(SUCLG2):c.46C>G (p.Leu16Val)

Gene: SUCLG2 (succinate-CoA ligase GDP-forming subunit beta; minus strand). Cytogenetic location: 3p14.1.
Variant type: single nucleotide variant.
Coding change: c.46C>G on transcript NM_003848.4 (MANE Select); coding-DNA position 46, C replaced by G.
Protein change: p.Leu16Val; replaces leucine 16 with valine.
Molecular consequence: missense variant.
Genome position (GRCh38, 1-based): chr3:67,654,541, G>C on the plus strand (C>G on the coding strand, the complement: SUCLG2 is on the minus strand). VCF-style: chr3-67654541-G-C. GRCh37 (hg19) VCF-style: chr3-67704965-G-C.
Other names: c.46C>G, p.Leu16Val (NM_001177599.2); short protein forms L16V.
Identifiers: ClinVar variation 2900580 (VCV002900580.3), dbSNP rs530822934, ClinGen allele CA2486167.